The following is an entry in ClinVar:

ClinVar aggregate classification (germline): Uncertain significance (1 of 4 stars; one submission).

Conditions:
Charcot-Marie-Tooth disease type 2. Also called: Charcot-Marie-Tooth type 2. Identifiers: Orphanet 64746, MedGen C0270914, MONDO:0018993.

Submission:

Labcorp Genetics (formerly Invitae), Labcorp
Classification: Uncertain significance for Charcot-Marie-Tooth disease type 2. Last evaluated: 2024-10-23. Review status: criteria provided, single submitter. Criteria: Invitae Variant Classification Sherloc (09022015). Collection method: clinical testing. Allele origin: germline.
Comment: This sequence change replaces glutamine, which is neutral and polar, with lysine, which is basic and polar, at codon 538 of the AARS protein (p.Gln538Lys). This variant is not present in population databases (gnomAD no frequency). This variant has not been reported in the literature in individuals affected with AARS-related conditions. Invitae Evidence Modeling of protein sequence and biophysical properties (such as structural, functional, and spatial information, amino acid conservation, physicochemical variation, residue mobility, and thermodynamic stability) indicates that this missense variant is not expected to disrupt AARS protein function with a negative predictive value of 95%. In summary, the available evidence is currently insufficient to determine the role of this variant in disease. Therefore, it has been classified as a Variant of Uncertain Significance.

NM_001605.3(AARS1):c.1612C>A (p.Gln538Lys)

Gene: AARS1 (alanyl-tRNA synthetase 1; minus strand). Cytogenetic location: 16q22.1.
Variant type: single nucleotide variant.
Coding change: c.1612C>A on transcript NM_001605.3 (MANE Select); coding-DNA position 1612, C replaced by A.
Protein change: p.Gln538Lys; replaces glutamine 538 with lysine.
Molecular consequence: missense variant.
Genome position (GRCh38, 1-based): chr16:70,262,405, G>T on the plus strand (C>A on the coding strand, the complement: AARS1 is on the minus strand). VCF-style: chr16-70262405-G-T. GRCh37 (hg19) VCF-style: chr16-70296308-G-T.
Other names: short protein forms Q538K.
Identifiers: ClinVar variation 3719431 (VCV003719431.2).